The following is an entry in ClinVar:

ClinVar aggregate classification (germline): Benign. Review status: criteria provided, multiple submitters, no conflicts (2 of 4 stars). 3 submissions from 3 submitters: Benign (2). 1 of the submissions does not count toward it. Last evaluated 2016-03-28.

Conditions:
THBS1-related disorder. Also called: THBS1-related condition.

Allele frequency attached by ClinVar (database versions not stated): gnomAD exomes 0.15878; ExAC 0.16349; gnomAD 0.21163 and 0.21307; ESP Exome Variant Server 0.21795; TOPMed 0.22534; 1000 Genomes Project 0.26677; 1000 Genomes Project 30x 0.26874.
gnomAD v4.1: 236,989 of 1,613,928 alleles (15%); highest among the groups gnomAD compares: African/African-American, 41%; 21,969 homozygotes.

Submissions (3):

Laboratory for Molecular Medicine, Mass General Brigham Personalized Medicine
Classification: Benign. Last evaluated: 2016-03-28. Review status: criteria provided, single submitter. Criteria: LMM Criteria. Collection method: clinical testing. Allele origin: germline.
Comment: Variant identified in a genome or exome case(s) and assessed due to predicted null impact of the variant or pathogenic assertions in the literature or databases. Disclaimer: This variant has not undergone full assessment. The following are preliminary notes: Frequency

Breakthrough Genomics
Classification: Benign. Review status: criteria provided, single submitter. Criteria: ACMG Guidelines, 2015. Collection method: not provided. Allele origin: germline. Inheritance: Unknown mechanism. Affected: yes.

PreventionGenetics, part of Exact Sciences
Classification: Benign for THBS1-related condition. Last evaluated: 2019-10-21. Review status: no assertion criteria provided. Collection method: clinical testing. Allele origin: germline. Not counted in ClinVar's aggregate classification.
Comment: This variant is classified as benign based on ACMG/AMP sequence variant interpretation guidelines (Richards et al. 2015 PMID: 25741868, with internal and published modifications).

NM_003246.4(THBS1):c.1410C>T (p.Asn470=)

Gene: THBS1 (thrombospondin 1; plus strand). Cytogenetic location: 15q14.
Variant type: single nucleotide variant.
Coding change: c.1410C>T on transcript NM_003246.4 (MANE Select); coding-DNA position 1410, C replaced by T.
Protein change: p.Asn470=; no amino-acid change (asparagine 470 retained).
Molecular consequence: synonymous variant.
Genome position (GRCh38, 1-based): chr15:39,588,157, C>T. VCF-style: chr15-39588157-C-T. GRCh37 (hg19) VCF-style: chr15-39880358-C-T.
Other names: c.1410C>T (NM_003246.3).
Identifiers: ClinVar variation 403535 (VCV000403535.7), dbSNP rs2228261, ClinGen allele CA7471922.